The following is an entry in ClinVar:

ClinVar aggregate classification (germline): Uncertain significance. Review status: criteria provided, multiple submitters, no conflicts (2 of 4 stars). 3 submissions from 3 submitters: Uncertain significance (3). Last evaluated 2026-01-30.

Conditions:
EP300-related disorder. Also called: EP300-related condition; EP300-related disorders.
Rubinstein-Taybi syndrome due to EP300 haploinsufficiency. Also called: EP300-Related Rubinstein-Taybi Syndrome; RUBINSTEIN-TAYBI SYNDROME 2. Identifiers: Orphanet 353284, Orphanet 783, MedGen C3150941, MONDO:0013364, OMIM 613684.

Allele frequency attached by ClinVar (database versions not stated): gnomAD 0.00001; gnomAD exomes 0.00002.
gnomAD v4.1: 26 of 1,614,054 alleles (0.0016%); highest among the groups gnomAD compares: Non-Finnish European, 0.0021%; no homozygotes.

Submissions (3):

PreventionGenetics, part of Exact Sciences
Classification: Uncertain significance for EP300-related condition. Last evaluated: 2026-01-30. Review status: criteria provided, single submitter. Criteria: ACMG Guidelines, 2015. Collection method: clinical testing. Allele origin: germline.
Comment: The EP300 c.3752G>A variant is predicted to result in the amino acid substitution p.Gly1251Glu. To our knowledge, this variant has not been reported in the literature. This variant is reported in 0.00088% of alleles in individuals of European (Non-Finnish) descent in gnomAD. At this time, the clinical significance of this variant is uncertain due to the absence of conclusive functional and genetic evidence.

GeneDx
Classification: Uncertain significance. Last evaluated: 2025-02-04. Review status: criteria provided, single submitter. Criteria: GeneDx Variant Classification Process June 2021. Collection method: clinical testing. Allele origin: germline. Affected: yes.
Comment: In silico analysis supports that this missense variant has a deleterious effect on protein structure/function; Has not been previously published as pathogenic or benign to our knowledge

Labcorp Genetics (formerly Invitae), Labcorp
Classification: Uncertain significance for Rubinstein-Taybi syndrome due to EP300 haploinsufficiency. Last evaluated: 2023-06-09. Review status: criteria provided, single submitter. Criteria: Invitae Variant Classification Sherloc (09022015). Collection method: clinical testing. Allele origin: germline.
Comment: Advanced modeling of protein sequence and biophysical properties (such as structural, functional, and spatial information, amino acid conservation, physicochemical variation, residue mobility, and thermodynamic stability) has been performed at Invitae for this missense variant, however the output from this modeling did not meet the statistical confidence thresholds required to predict the impact of this variant on EP300 protein function. This variant has not been reported in the literature in individuals affected with EP300-related conditions. This variant is present in population databases (no rsID available, gnomAD 0.0009%). This sequence change replaces glycine, which is neutral and non-polar, with glutamic acid, which is acidic and polar, at codon 1251 of the EP300 protein (p.Gly1251Glu). In summary, the available evidence is currently insufficient to determine the role of this variant in disease. Therefore, it has been classified as a Variant of Uncertain Significance.

NM_001429.4(EP300):c.3752G>A (p.Gly1251Glu)

Gene: EP300 (EP300 lysine acetyltransferase; plus strand). Cytogenetic location: 22q13.2.
Variant type: single nucleotide variant.
Coding change: c.3752G>A on transcript NM_001429.4 (MANE Select); coding-DNA position 3752, G replaced by A.
Protein change: p.Gly1251Glu; replaces glycine 1251 with glutamic acid.
Molecular consequence: missense variant.
Genome position (GRCh38, 1-based): chr22:41,164,076, G>A. VCF-style: chr22-41164076-G-A. GRCh37 (hg19) VCF-style: chr22-41560080-G-A.
Other names: c.3674G>A, p.Gly1225Glu (NM_001362843.2); c.3752G>A (NM_001429.3); short protein forms G1225E, G1251E.
Identifiers: ClinVar variation 2725406 (VCV002725406.5), dbSNP rs1032317413, ClinGen allele CA324550702.
Genomic context (GRCh38, chr22:41,164,076, plus strand): 5'-TTTGGGGTTAATTTTGGAATTGGCTCTGCTCTTCCAGGTTTGTTGAATGTACAGAGTGCG[G>A]AAGAAAGATGCATCAGATCTGTGTCCTTCACCATGAGATCATCTGGCCTGCTGGGTAAGT-3'
Protein context (NP_001420.2, residues 1241-1261): PELFVECTEC[Gly1251Glu]RKMHQICVLH